The following is an entry in ClinVar:

ClinVar aggregate classification (germline): Likely benign (1 of 4 stars; one submission).

Conditions:
VPS13B-related disorder. Also called: VPS13B-related condition.

Submission:

PreventionGenetics, part of Exact Sciences
Classification: Likely benign for VPS13B-related condition. Last evaluated: 2026-03-18. Review status: criteria provided, single submitter. Criteria: ACMG Guidelines, 2015. Collection method: clinical testing. Allele origin: germline.
Comment: This variant is classified as likely benign based on ACMG/AMP sequence variant interpretation guidelines (Richards et al. 2015 PMID: 25741868, with internal and published modifications).

NM_152564.5(VPS13B):c.4977A>T (p.Ala1659=)

Gene: VPS13B (vacuolar protein sorting 13 homolog B; plus strand). Cytogenetic location: 8q22.2.
Variant type: single nucleotide variant.
Coding change: c.4977A>T on transcript NM_152564.5 (MANE Select); coding-DNA position 4977, A replaced by T.
Protein change: p.Ala1659=; no amino-acid change (alanine 1659 retained).
Molecular consequence: synonymous variant.
Genome position (GRCh38, 1-based): chr8:99,575,685, A>T. VCF-style: chr8-99575685-A-T. GRCh37 (hg19) VCF-style: chr8-100587913-A-T.
Other names: c.5052A>T, p.Ala1684= (NM_017890.5).
Identifiers: ClinVar variation 4983138 (VCV004983138.1).